The following is an entry in ClinVar:

ClinVar aggregate classification (germline): Benign/Likely benign. Review status: criteria provided, multiple submitters, no conflicts (2 of 4 stars). 12 submissions from 11 submitters: Benign (8); Likely benign (4). Last evaluated 2026-09-01.

Conditions:
Inborn genetic diseases. Identifiers: MedGen C0950123, MeSH D030342.
Early-infantile DEE. Also called: Early infantile epileptic encephalopathy with suppression bursts; Ohtahara syndrome; Early infantile epileptic encephalopathy. Identifiers: Orphanet 1934, MedGen C0393706, MONDO:0800491.
Migraine, familial hemiplegic, 3. Identifiers: Orphanet 569, MedGen C1864987, MONDO:0012320, OMIM 609634.
Generalized epilepsy with febrile seizures plus, type 2 (GEFSP2). Also called: GEFS+, TYPE 2. Identifiers: Orphanet 36387, MedGen C1858673, MONDO:0011461, OMIM 604403.

Allele frequency attached by ClinVar (database versions not stated): ESP Exome Variant Server 0.00930; gnomAD exomes 0.00194; gnomAD 0.00831 and 0.00876; 1000 Genomes Project 30x 0.00937; ExAC 0.00237; 1000 Genomes Project 0.00759; TOPMed 0.00954.
gnomAD v4.1: 2,422 of 1,613,784 alleles (0.15%); highest among the groups gnomAD compares: African/African-American, 2.9%; 36 homozygotes.

Submissions (22):

CeGaT Center for Human Genetics Tuebingen
Classification: Benign. Last evaluated: 2026-09-01. Review status: criteria provided, single submitter. Criteria: CeGaT Center For Human Genetics Tuebingen Variant Classification Criteria Version 2. Collection method: clinical testing. Allele origin: germline. Affected: yes. Observed: 9 variant alleles.
Comment: SCN1A: BP4, BS1, BS2

Labcorp Genetics (formerly Invitae), Labcorp
Classification: Benign for Early-infantile DEE. Last evaluated: 2026-02-03. Review status: criteria provided, single submitter. Criteria: Invitae Variant Classification Sherloc (09022015). Collection method: clinical testing. Allele origin: germline.

ARUP Laboratories, Molecular Genetics and Genomics, ARUP Laboratories
Classification: Benign. Last evaluated: 2025-04-08. Review status: criteria provided, single submitter. Criteria: ARUP Molecular Germline Variant Investigation Process 2024. Collection method: clinical testing. Allele origin: germline.

Illumina Laboratory Services, Illumina
Classification: Likely benign for Migraine, familial hemiplegic, 3. Last evaluated: 2017-04-27. Review status: criteria provided, single submitter. Criteria: ICSL Variant Classification Criteria 13 December 2019. Collection method: clinical testing. Allele origin: germline.
Comment: This variant was observed as part of a predisposition screen in an ostensibly healthy population. A literature search was performed for the gene, cDNA change, and amino acid change (where applicable). Publications were found based on this search. The evidence from the literature, in combination with allele frequency data from public databases where available, was sufficient to determine this variant is unlikely to cause disease. Therefore, this variant is classified as likely benign.

Illumina Laboratory Services, Illumina
Classification: Likely benign for Generalized epilepsy with febrile seizures plus, type 2. Last evaluated: 2017-04-27. Review status: criteria provided, single submitter. Criteria: ICSL Variant Classification Criteria 13 December 2019. Collection method: clinical testing. Allele origin: germline.
Comment: This variant was observed as part of a predisposition screen in an ostensibly healthy population. A literature search was performed for the gene, cDNA change, and amino acid change (where applicable). No publications were found based on this search. Allele frequency data from public databases allowed determination this variant is unlikely to cause disease. Therefore, this variant is classified as likely benign.

Ambry Genetics
Classification: Benign for Inborn genetic diseases. Last evaluated: 2016-04-26. Review status: criteria provided, single submitter. Criteria: Ambry Variant Classification Scheme 2023. Collection method: clinical testing. Allele origin: germline.

Center for Pediatric Genomic Medicine, Children's Mercy Hospital and Clinics
Classification: Likely benign. Last evaluated: 2015-09-25. Review status: criteria provided, single submitter. Criteria: ACMG Guidelines, 2015. Collection method: clinical testing. Allele origin: germline.
ClinVar note: Converted during submission from Likely Benign to Likely benign.

Genetic Services Laboratory, University of Chicago
Classification: Benign for AllHighlyPenetrant. Last evaluated: 2013-08-27. Review status: criteria provided, single submitter. Criteria: ACMG Guidelines, 2007. Collection method: clinical testing. Allele origin: germline. Inheritance: Autosomal dominant inheritance.

Eurofins Ntd Llc (ga)
Classification: Benign. Last evaluated: 2013-07-09. Review status: criteria provided, single submitter. Criteria: EGL Classification Definitions 2015. Collection method: clinical testing. Allele origin: germline. Observed: 3 variant alleles, 3 heterozygotes.

GeneDx
Classification: Benign. Last evaluated: 2013-06-26. Review status: criteria provided, single submitter. Criteria: GeneDx Variant Classification (06012015). Collection method: clinical testing. Allele origin: germline. Affected: yes.
Comment: This variant is considered likely benign or benign based on one or more of the following criteria: it is a conservative change, it occurs at a poorly conserved position in the protein, it is predicted to be benign by multiple in silico algorithms, and/or has population frequency not consistent with disease.

Breakthrough Genomics
Classification: Likely benign. Review status: criteria provided, single submitter. Criteria: ACMG Guidelines, 2015. Collection method: not provided. Allele origin: germline. Inheritance: Autosomal dominant inheritance. Affected: yes.

PreventionGenetics, part of Exact Sciences
Classification: Benign. Review status: criteria provided, single submitter. Criteria: ACMG Guidelines, 2015. Collection method: clinical testing. Allele origin: germline.

Channelopathy-Associated Epilepsy Research Center
No classification provided (evidence only). Review status: no classification provided. Collection method: in vitro. Allele origin: not applicable. Functional consequence: Normal peak current. Not counted in ClinVar's aggregate classification.

Channelopathy-Associated Epilepsy Research Center
No classification provided (evidence only). Review status: no classification provided. Collection method: in vitro. Allele origin: not applicable. Functional consequence: Normal voltage dependence of activation. Not counted in ClinVar's aggregate classification.

Channelopathy-Associated Epilepsy Research Center
No classification provided (evidence only). Review status: no classification provided. Collection method: in vitro. Allele origin: not applicable. Functional consequence: Normal slope of activation. Not counted in ClinVar's aggregate classification.

Channelopathy-Associated Epilepsy Research Center
No classification provided (evidence only). Review status: no classification provided. Collection method: in vitro. Allele origin: not applicable. Functional consequence: Normal voltage dependence of fast inactivation. Not counted in ClinVar's aggregate classification.

Channelopathy-Associated Epilepsy Research Center
No classification provided (evidence only). Review status: no classification provided. Collection method: in vitro. Allele origin: not applicable. Functional consequence: Normal slope of fast inactivation. Not counted in ClinVar's aggregate classification.

Channelopathy-Associated Epilepsy Research Center
No classification provided (evidence only). Review status: no classification provided. Collection method: in vitro. Allele origin: not applicable. Functional consequence: Normal rate of recovery from fast inactivation. Not counted in ClinVar's aggregate classification.

Channelopathy-Associated Epilepsy Research Center
No classification provided (evidence only). Review status: no classification provided. Collection method: in vitro. Allele origin: not applicable. Functional consequence: Normal current amplitude in use dependence. Not counted in ClinVar's aggregate classification.

Channelopathy-Associated Epilepsy Research Center
No classification provided (evidence only). Review status: no classification provided. Collection method: in vitro. Allele origin: not applicable. Functional consequence: Acceleration of fast inactivation. Not counted in ClinVar's aggregate classification.

Channelopathy-Associated Epilepsy Research Center
No classification provided (evidence only). Review status: no classification provided. Collection method: in vitro. Allele origin: not applicable. Functional consequence: Normal ramp current. Not counted in ClinVar's aggregate classification.

Channelopathy-Associated Epilepsy Research Center
No classification provided (evidence only). Review status: no classification provided. Collection method: in vitro. Allele origin: not applicable. Functional consequence: Decrease in persistent current. Not counted in ClinVar's aggregate classification.

Literature cited by the submitters: PubMed 22011963 (cited by Illumina Laboratory Services, Illumina); PubMed 12610651 (cited by Illumina Laboratory Services, Illumina); PubMed 21713554 (cited by Illumina Laboratory Services, Illumina).

NM_001165963.4(SCN1A):c.5864T>C (p.Ile1955Thr)

Genes: SCN1A (sodium voltage-gated channel alpha subunit 1; minus strand), LOC102724058 (uncharacterized LOC102724058; plus strand). Cytogenetic location: 2q24.3.
Variant type: single nucleotide variant.
Coding change: c.5864T>C on transcript NM_001165963.4 (MANE Select); coding-DNA position 5864, T replaced by C.
Protein change: p.Ile1955Thr; replaces isoleucine 1955 with threonine.
Molecular consequence: missense variant. On other transcripts: non-coding transcript variant (1).
Genome position (GRCh38, 1-based): chr2:165,991,411, A>G on the plus strand (T>C on the coding strand, the complement: SCN1A is on the minus strand). VCF-style: chr2-165991411-A-G. GRCh37 (hg19) VCF-style: chr2-166847921-A-G.
Other names: p.I1955T:ATA>ACA; c.5780T>C, p.Ile1927Thr (NM_001165964.3, NM_001353957.2, NM_001353958.2); c.5864T>C, p.Ile1955Thr (NM_001202435.3, NM_001353948.2); c.5831T>C, p.Ile1944Thr (NM_001353949.2, NM_001353950.2, NM_001353951.2 and 2 more transcripts); c.5828T>C, p.Ile1943Thr (NM_001353954.2, NM_001353955.2); c.5777T>C, p.Ile1926Thr (NM_001353960.2); c.3422T>C, p.Ile1141Thr (NM_001353961.2); short protein forms I1944T, I1955T, I1141T, I1927T, I1926T, I1943T.
Identifiers: ClinVar variation 93660 (VCV000093660.57), dbSNP rs35735053, ClinGen allele CA285457.